The following is an entry in ClinVar:

NM_001130004.2(ACTN1):c.2519G>A (p.Arg840His)

Gene: ACTN1 (actinin alpha 1; minus strand). Cytogenetic location: 14q24.1.
Variant type: single nucleotide variant.
Coding change: c.2519G>A on transcript NM_001130004.2 (MANE Select); coding-DNA position 2519, G replaced by A.
Protein change: p.Arg840His; replaces arginine 840 with histidine.
Molecular consequence: missense variant.
Genome position (GRCh38, 1-based): chr14:68,877,149, C>T on the plus strand (G>A on the coding strand, the complement: ACTN1 is on the minus strand). VCF-style: chr14-68877149-C-T. GRCh37 (hg19) VCF-style: chr14-69343866-C-T.
Other names: c.2453G>A, p.Arg818His (NM_001102.4); c.2438G>A, p.Arg813His (NM_001130005.2); c.2462G>A, p.Arg821His (NM_001411035.1); c.2258G>A, p.Arg753His (NM_001411036.1); short protein forms R813H, R753H, R821H, R818H, R840H.
Identifiers: ClinVar variation 1975782 (VCV001975782.5), dbSNP rs1289598040, ClinGen allele CA390180479.

ClinVar aggregate classification (germline): Uncertain significance (1 of 4 stars; one submission).

Allele frequency attached by ClinVar (database versions not stated): gnomAD exomes below 0.00001; TOPMed 0.00001.

Submission:

Labcorp Genetics (formerly Invitae), Labcorp
Classification: Uncertain significance. Last evaluated: 2022-10-13. Review status: criteria provided, single submitter. Criteria: Invitae Variant Classification Sherloc (09022015). Collection method: clinical testing. Allele origin: germline.
Comment: This sequence change replaces arginine, which is basic and polar, with histidine, which is basic and polar, at codon 840 of the ACTN1 protein (p.Arg840His). This variant is not present in population databases (gnomAD no frequency). This variant has not been reported in the literature in individuals affected with ACTN1-related conditions. Algorithms developed to predict the effect of missense changes on protein structure and function are either unavailable or do not agree on the potential impact of this missense change (SIFT: "Deleterious"; PolyPhen-2: "Possibly Damaging"; Align-GVGD: "Class C0"). In summary, the available evidence is currently insufficient to determine the role of this variant in disease. Therefore, it has been classified as a Variant of Uncertain Significance.